The following is an entry in ClinVar:

NM_006180.6(NTRK2):c.1328T>C (p.Val443Ala)

Gene: NTRK2 (neurotrophic receptor tyrosine kinase 2; plus strand). Cytogenetic location: 9q21.33.
Variant type: single nucleotide variant.
Coding change: c.1328T>C on transcript NM_006180.6 (MANE Select); coding-DNA position 1328, T replaced by C.
Protein change: p.Val443Ala; replaces valine 443 with alanine.
Molecular consequence: missense variant.
Genome position (GRCh38, 1-based): chr9:84,752,017, T>C. VCF-style: chr9-84752017-T-C. GRCh37 (hg19) VCF-style: chr9-87366932-T-C.
Other names: c.1328T>C, p.Val443Ala (NM_001007097.3, NM_001018064.3, NM_001018065.2 and 16 more transcripts); c.1289T>C, p.Val430Ala (NM_001291937.2, NM_001369546.1); c.1292T>C, p.Val431Ala (NM_001369534.1); c.860T>C, p.Val287Ala (NM_001369535.1, NM_001369536.1, NM_001369550.1 and 2 more transcripts); short protein forms V287A, V430A, V431A, V443A.
Identifiers: ClinVar variation 2574950 (VCV002574950.2), dbSNP rs2493106869, ClinGen allele CA374008298.

ClinVar aggregate classification (germline): Uncertain significance (1 of 4 stars; one submission).

Submission:

GeneDx
Classification: Uncertain significance. Last evaluated: 2024-04-24. Review status: criteria provided, single submitter. Criteria: GeneDx Variant Classification Process June 2021. Collection method: clinical testing. Allele origin: germline. Affected: yes.
Comment: Not observed at significant frequency in large population cohorts (gnomAD); In silico analysis indicates that this missense variant does not alter protein structure/function; Has not been previously published as pathogenic or benign to our knowledge